The following is an entry in ClinVar:

ClinVar aggregate classification (germline): Benign (1 of 4 stars; one submission).

gnomAD v4.1: 2,081 of 1,609,756 alleles (0.13%); highest among the groups gnomAD compares: Middle Eastern, 0.26%; 3 homozygotes.

Submission:

CeGaT Center for Human Genetics Tuebingen
Classification: Benign. Last evaluated: 2025-01-01. Review status: criteria provided, single submitter. Criteria: CeGaT Center For Human Genetics Tuebingen Variant Classification Criteria Version 2. Collection method: clinical testing. Allele origin: germline. Affected: yes. Observed: 1 variant allele.
Comment: NEBL: BS1, BS2

NM_213569.2(NEBL):c.164+46548G>A

Genes: C10orf113 (chromosome 10 open reading frame 113; minus strand), NEBL (nebulette; minus strand). Cytogenetic location: 10p12.31.
Variant type: single nucleotide variant.
Coding change: c.164+46548G>A on transcript NM_213569.2; 46548 bases into the intron after coding-DNA position 164, G replaced by A.
Molecular consequence: intron variant.
Genome position (GRCh38, 1-based): chr10:21,125,835, C>T on the plus strand (G>A on the coding strand, the complement: NEBL is on the minus strand). VCF-style: chr10-21125835-C-T. GRCh37 (hg19) VCF-style: chr10-21414764-C-T.
Other names: c.56+46548G>A (NM_001377326.1, NM_001377327.1, NM_001377328.1); c.164+46548G>A (NM_001173484.2, NM_001377322.1); c.107+46548G>A (NM_001377324.1); c.98+46548G>A (NM_001377325.1); c.116+46548G>A (NM_001377323.1).
Identifiers: ClinVar variation 3770536 (VCV003770536.13).
Genomic context (GRCh38, chr10:21,125,835, plus strand): 5'-AAAATTTTATTGTATATGGTATGGTATAAGACAGTGTCCTTCAGACATTTACAAAAAAGT[C>T]ATTTTCAGCACCTTCTTAGATACGTTGAACTTTTCTTTTATGCCCTGGAATTTAAATCCA-3'